The following is an entry in ClinVar:

ClinVar aggregate classification (germline): Conflicting classifications of pathogenicity. Review status: criteria provided, conflicting classifications (1 of 4 stars). 3 submissions from 3 submitters: Likely pathogenic (1); Uncertain significance (2). Last evaluated 2025-11-26.

Conditions:
Pyknodysostosis. Also called: Pycnodysostosis. Identifiers: Orphanet 763, MedGen C0238402, MONDO:0009940, OMIM 265800.
Inborn genetic diseases. Identifiers: MedGen C0950123, MeSH D030342.

gnomAD v4.1: 1 of 1,614,074 alleles (0.000062%); highest among the groups gnomAD compares: Non-Finnish European, 0.000085%; no homozygotes.

Submissions (3):

Myriad Genetics, Inc.
Classification: Uncertain significance for Pyknodysostosis. Last evaluated: 2025-11-26. Review status: criteria provided, single submitter. Criteria: Myriad Autosomal Dominant, Autosomal Recessive and X-Linked Classification Criteria (2023). Collection method: clinical testing. Allele origin: unknown.
Comment: NM_000396.3(CTSK):c.931G>C(A311P) is a missense variant classified as a variant of uncertain significance in the context of pycnodysostosis. A311P has been observed in a case with relevant disease (PMID: 10571690). Relevant functional assessments of this variant are not available in the literature. A311P has been observed in referenced population frequency databases. In summary, there is insufficient evidence to classify NM_000396.3(CTSK):c.931G>C(A311P) as pathogenic or benign. Please note: this variant was assessed in the context of healthy population screening.

Ambry Genetics
Classification: Likely pathogenic for Inborn genetic diseases. Last evaluated: 2024-11-13. Review status: criteria provided, single submitter. Criteria: Ambry Variant Classification Scheme 2023. Collection method: clinical testing. Allele origin: germline.
Comment: The c.931G>C (p.A311P) alteration is located in exon 8 (coding exon 7) of the CTSK gene. This alteration results from a G to C substitution at nucleotide position 931, causing the alanine (A) at amino acid position 311 to be replaced by a proline (P). Based on data from gnomAD, the C allele has an overall frequency of <0.001% (1/251462) total alleles studied. The highest observed frequency was 0.001% (1/113740) of European (non-Finnish) alleles. This variant has been identified in the homozygous state in siblings with clinical features consistent with pycnodysostosis (Nishi, 1999). This amino acid position is highly conserved in available vertebrate species. This alteration is predicted to be deleterious by in silico analysis. Based on the available evidence, this alteration is classified as likely pathogenic.

Labcorp Genetics (formerly Invitae), Labcorp
Classification: Uncertain significance. Last evaluated: 2022-03-11. Review status: criteria provided, single submitter. Criteria: Invitae Variant Classification Sherloc (09022015). Collection method: clinical testing. Allele origin: germline.
Comment: In summary, the available evidence is currently insufficient to determine the role of this variant in disease. Therefore, it has been classified as a Variant of Uncertain Significance. Advanced modeling of protein sequence and biophysical properties (such as structural, functional, and spatial information, amino acid conservation, physicochemical variation, residue mobility, and thermodynamic stability) performed at Invitae indicates that this missense variant is expected to disrupt CTSK protein function. This missense change has been observed in individual(s) with pycnodysostosis (PMID: 10571690). This variant is present in population databases (no rsID available, gnomAD no frequency). This sequence change replaces alanine, which is neutral and non-polar, with proline, which is neutral and non-polar, at codon 311 of the CTSK protein (p.Ala311Pro).

Literature cited by the submitters: PubMed 10571690 (cited by 3 submitters).

NM_000396.4(CTSK):c.931G>C (p.Ala311Pro)

Gene: CTSK (cathepsin K; minus strand). Cytogenetic location: 1q21.3.
Variant type: single nucleotide variant.
Coding change: c.931G>C on transcript NM_000396.4 (MANE Select); coding-DNA position 931, G replaced by C.
Protein change: p.Ala311Pro; replaces alanine 311 with proline.
Molecular consequence: missense variant.
Genome position (GRCh38, 1-based): chr1:150,796,858, C>G on the plus strand (G>C on the coding strand, the complement: CTSK is on the minus strand). VCF-style: chr1-150796858-C-G. GRCh37 (hg19) VCF-style: chr1-150769334-C-G.
Other names: c.931G>C (NM_000396.3); short protein forms A311P.
Identifiers: ClinVar variation 2202837 (VCV002202837.6), dbSNP rs1245231987, ClinGen allele CA342335576.